The following is an entry in ClinVar:

ClinVar aggregate classification (germline): Uncertain significance. Review status: criteria provided, multiple submitters, no conflicts (2 of 4 stars). 2 submissions from 2 submitters: Uncertain significance (2). Last evaluated 2025-11-26.

Conditions:
Inborn genetic diseases. Identifiers: MedGen C0950123, MeSH D030342.
Neuropathy, hereditary sensory and autonomic, type 2A (HSAN2A). Also called: WNK1-Related HSAN2 (HSAN2A); HSAN IIA; ACROOSTEOLYSIS, GIACCAI TYPE; ACROOSTEOLYSIS, NEUROGENIC; MORVAN DISEASE; NEUROPATHY, CONGENITAL SENSORY. Identifiers: Orphanet 970, MedGen C2752089, MONDO:0024309, OMIM 201300.
Generalized epilepsy with febrile seizures plus, type 7 (GEFSP7). Also called: GEFS+, TYPE 7. Identifiers: Orphanet 36387, MedGen C2751778, MONDO:0013470, OMIM 613863.

Allele frequency attached by ClinVar (database versions not stated): gnomAD exomes 0.00003 and 0.00008; gnomAD 0.00005 and 0.00006; ExAC 0.00011.
gnomAD v4.1: 74 of 1,613,346 alleles (0.0046%); highest among the groups gnomAD compares: East Asian, 0.0022%; 1 homozygote.

Submissions (2):

Labcorp Genetics (formerly Invitae), Labcorp
Classification: Uncertain significance for Neuropathy, hereditary sensory and autonomic, type 2A; Generalized epilepsy with febrile seizures plus, type 7. Last evaluated: 2025-11-26. Review status: criteria provided, single submitter. Criteria: Invitae Variant Classification Sherloc (09022015). Collection method: clinical testing. Allele origin: germline.
Comment: This sequence change replaces isoleucine, which is neutral and non-polar, with threonine, which is neutral and polar, at codon 196 of the SCN9A protein (p.Ile196Thr). This variant is present in population databases (rs200878465, gnomAD 0.05%). This variant has not been reported in the literature in individuals affected with SCN9A-related conditions. ClinVar contains an entry for this variant (Variation ID: 1505622). Invitae Evidence Modeling of protein sequence and biophysical properties (such as structural, functional, and spatial information, amino acid conservation, physicochemical variation, residue mobility, and thermodynamic stability) indicates that this missense variant is not expected to disrupt SCN9A protein function with a negative predictive value of 80%. In summary, the available evidence is currently insufficient to determine the role of this variant in disease. Therefore, it has been classified as a Variant of Uncertain Significance.

Ambry Genetics
Classification: Uncertain significance for Inborn genetic diseases. Last evaluated: 2025-01-01. Review status: criteria provided, single submitter. Criteria: Ambry Variant Classification Scheme 2023. Collection method: clinical testing. Allele origin: germline.
Comment: Unlikely to be causative of SCN9A-related neuropathic pain syndromes (AD) Based on insufficient or conflicting evidence, the clinical significance of this alteration remains unclear.

NM_001365536.1(SCN9A):c.587T>C (p.Ile196Thr)

Gene: SCN9A (sodium voltage-gated channel alpha subunit 9; minus strand). Cytogenetic location: 2q24.3.
Variant type: single nucleotide variant.
Coding change: c.587T>C on transcript NM_001365536.1 (MANE Select); coding-DNA position 587, T replaced by C.
Protein change: p.Ile196Thr; replaces isoleucine 196 with threonine.
Molecular consequence: missense variant.
Genome position (GRCh38, 1-based): chr2:166,305,801, A>G on the plus strand (T>C on the coding strand, the complement: SCN9A is on the minus strand). VCF-style: chr2-166305801-A-G. GRCh37 (hg19) VCF-style: chr2-167162311-A-G.
Other names: c.587T>C, p.Ile196Thr (NM_002977.4); short protein forms I196T.
Identifiers: ClinVar variation 1505622 (VCV001505622.9), dbSNP rs200878465, ClinGen allele CA1944757.